The following is an entry in ClinVar:

NM_000318.3(PEX2):c.76A>C (p.Asn26His)

Gene: PEX2 (peroxisomal biogenesis factor 2; minus strand). Cytogenetic location: 8q21.13.
Variant type: single nucleotide variant.
Coding change: c.76A>C on transcript NM_000318.3 (MANE Select); coding-DNA position 76, A replaced by C.
Protein change: p.Asn26His; replaces asparagine 26 with histidine.
Molecular consequence: missense variant.
Genome position (GRCh38, 1-based): chr8:76,984,103, T>G on the plus strand (A>C on the coding strand, the complement: PEX2 is on the minus strand). VCF-style: chr8-76984103-T-G. GRCh37 (hg19) VCF-style: chr8-77896339-T-G.
Other names: c.76A>C, p.Asn26His (NM_001079867.2, NM_001172086.2, NM_001172087.2); short protein forms N26H.
Identifiers: ClinVar variation 1025874 (VCV001025874.8), dbSNP rs977528373, ClinGen allele CA371558144.

ClinVar aggregate classification (germline): Uncertain significance (1 of 4 stars; one submission).

Conditions:
Peroxisome biogenesis disorder 5A (Zellweger) (PBD5A). Identifiers: Orphanet 912, MedGen C3553940, MONDO:0013932, OMIM 614866.

Submission:

Labcorp Genetics (formerly Invitae), Labcorp
Classification: Uncertain significance for Peroxisome biogenesis disorder 5A (Zellweger). Last evaluated: 2022-10-24. Review status: criteria provided, single submitter. Criteria: Invitae Variant Classification Sherloc (09022015). Collection method: clinical testing. Allele origin: germline.
Comment: ClinVar contains an entry for this variant (Variation ID: 1025874). In summary, the available evidence is currently insufficient to determine the role of this variant in disease. Therefore, it has been classified as a Variant of Uncertain Significance. Algorithms developed to predict the effect of missense changes on protein structure and function (SIFT, PolyPhen-2, Align-GVGD) all suggest that this variant is likely to be disruptive. This variant has not been reported in the literature in individuals affected with PEX2-related conditions. This variant is not present in population databases (gnomAD no frequency). This sequence change replaces asparagine, which is neutral and polar, with histidine, which is basic and polar, at codon 26 of the PEX2 protein (p.Asn26His).